The following is an entry in ClinVar:

ClinVar aggregate classification (germline): Pathogenic (1 of 4 stars; one submission).

Conditions:
Achromatopsia 3 (ACHM3). Also called: ACHROMATOPSIA WITH MYOPIA; PINGELAPESE BLINDNESS; TOTAL COLORBLINDNESS WITH MYOPIA; ROD MONOCHROMACY 1; ROD MONOCHROMATISM 1. Identifiers: Orphanet 49382, MedGen C1849792, MONDO:0009875, OMIM 262300.

Submission:

Myriad Genetics, Inc.
Classification: Pathogenic for Achromatopsia 3. Last evaluated: 2024-04-23. Review status: criteria provided, single submitter. Criteria: Myriad Autosomal Dominant, Autosomal Recessive and X-Linked Classification Criteria (2023). Collection method: clinical testing. Allele origin: unknown.
Comment: NM_019098.4(CNGB3):c.1468C>T(Q490*) is expected to be pathogenic in the context of achromatopsia, CNGB3-related. This variant is predicted to lead to an abnormal or absent protein product due to the creation of a premature termination codon in CNGB3, a gene where loss-of-function variants are known to be pathogenic. Please note: this variant was assessed in the context of healthy population screening.

NM_019098.5(CNGB3):c.1468C>T (p.Gln490Ter)

Gene: CNGB3 (cyclic nucleotide gated channel subunit beta 3; minus strand). Cytogenetic location: 8q21.3.
Variant type: single nucleotide variant.
Coding change: c.1468C>T on transcript NM_019098.5 (MANE Select); coding-DNA position 1468, C replaced by T.
Protein change: p.Gln490Ter; replaces glutamine 490 with a stop codon.
Molecular consequence: nonsense.
Genome position (GRCh38, 1-based): chr8:86,628,931, G>A on the plus strand (C>T on the coding strand, the complement: CNGB3 is on the minus strand). VCF-style: chr8-86628931-G-A. GRCh37 (hg19) VCF-style: chr8-87641159-G-A.
Other names: short protein forms Q490*.
Identifiers: ClinVar variation 5012942 (VCV005012942.1).